The following is an entry in ClinVar:

NM_032444.4(SLX4):c.589G>A (p.Val197Met)

Gene: SLX4 (SLX4 structure-specific endonuclease subunit; minus strand). Cytogenetic location: 16p13.3.
Variant type: single nucleotide variant.
Coding change: c.589G>A on transcript NM_032444.4 (MANE Select); coding-DNA position 589, G replaced by A.
Protein change: p.Val197Met; replaces valine 197 with methionine.
Molecular consequence: missense variant.
Genome position (GRCh38, 1-based): chr16:3,606,645, C>T on the plus strand (G>A on the coding strand, the complement: SLX4 is on the minus strand). VCF-style: chr16-3606645-C-T. GRCh37 (hg19) VCF-style: chr16-3656646-C-T.
Other names: c.589G>A (LRG_503t1); short protein forms V197M.
Identifiers: ClinVar variation 526380 (VCV000526380.8), dbSNP rs1555452306, ClinGen allele CA394533442.

ClinVar aggregate classification (germline): Uncertain significance (1 of 4 stars; one submission).

Conditions:
Fanconi anemia (FA). Also called: Fanconi's anemia. Identifiers: Orphanet 84, MedGen C0015625, MeSH D005199, MONDO:0019391.

Allele frequency attached by ClinVar (database versions not stated): gnomAD exomes below 0.00001.
gnomAD v4.1: 1 of 1,614,210 alleles (0.000062%); highest among the groups gnomAD compares: Non-Finnish European, 0.000085%; no homozygotes.

Submission:

Labcorp Genetics (formerly Invitae), Labcorp
Classification: Uncertain significance for Fanconi anemia. Last evaluated: 2017-10-16. Review status: criteria provided, single submitter. Criteria: Invitae Variant Classification Sherloc (09022015). Collection method: clinical testing. Allele origin: germline.
Comment: This sequence change replaces valine with methionine at codon 197 of the SLX4 protein (p.Val197Met). The valine residue is weakly conserved and there is a small physicochemical difference between valine and methionine. This variant is not present in population databases (ExAC no frequency). This variant has not been reported in the literature in individuals with SLX4-related disease. Algorithms developed to predict the effect of missense changes on protein structure and function (SIFT, PolyPhen-2, Align-GVGD) all suggest that this variant is likely to be tolerated, but these predictions have not been confirmed by published functional studies and their clinical significance is uncertain. In summary, the available evidence is currently insufficient to determine the role of this variant in disease. Therefore, it has been classified as a Variant of Uncertain Significance.